The following is an entry in ClinVar:

NM_001193313.2(SUGCT):c.518C>T (p.Ala173Val)

Gene: SUGCT (succinyl-CoA:glutarate-CoA transferase; plus strand). Cytogenetic location: 7p14.1.
Variant type: single nucleotide variant.
Coding change: c.518C>T on transcript NM_001193313.2 (MANE Select); coding-DNA position 518, C replaced by T.
Protein change: p.Ala173Val; replaces alanine 173 with valine.
Molecular consequence: missense variant.
Genome position (GRCh38, 1-based): chr7:40,237,668, C>T. VCF-style: chr7-40237668-C-T. GRCh37 (hg19) VCF-style: chr7-40277267-C-T.
Other names: c.518C>T, p.Ala173Val (NM_001193311.2, NM_001193312.2); c.407C>T, p.Ala136Val (NM_024728.3); c.428C>T (NM_024728.2); short protein forms A173V, A136V.
Identifiers: ClinVar variation 1416182 (VCV001416182.7), dbSNP rs375255318, ClinGen allele CA4229506.

ClinVar aggregate classification (germline): Uncertain significance. Review status: criteria provided, multiple submitters, no conflicts (2 of 4 stars). 2 submissions from 2 submitters: Uncertain significance (2). Last evaluated 2023-11-06.

Allele frequency attached by ClinVar (database versions not stated): gnomAD 0.00003; gnomAD exomes 0.00005 and 0.00012; TOPMed 0.00006; ExAC 0.00008; ESP Exome Variant Server 0.00024.
gnomAD v4.1: 90 of 1,613,894 alleles (0.0056%); highest among the groups gnomAD compares: Middle Eastern, 0.099%; 1 homozygote.

Submissions (2):

Labcorp Genetics (formerly Invitae), Labcorp
Classification: Uncertain significance. Last evaluated: 2023-11-06. Review status: criteria provided, single submitter. Criteria: Invitae Variant Classification Sherloc (09022015). Collection method: clinical testing. Allele origin: germline.
Comment: This sequence change replaces alanine, which is neutral and non-polar, with valine, which is neutral and non-polar, at codon 143 of the SUGCT protein (p.Ala143Val). This variant is present in population databases (rs375255318, gnomAD 0.02%). This variant has not been reported in the literature in individuals affected with SUGCT-related conditions. ClinVar contains an entry for this variant (Variation ID: 1416182). Experimental studies and prediction algorithms are not available or were not evaluated, and the functional significance of this variant is currently unknown. In summary, the available evidence is currently insufficient to determine the role of this variant in disease. Therefore, it has been classified as a Variant of Uncertain Significance.

Ambry Genetics
Classification: Uncertain significance. Last evaluated: 2022-11-10. Review status: criteria provided, single submitter. Criteria: Ambry Variant Classification Scheme 2023. Collection method: clinical testing. Allele origin: germline.